The following is an entry in ClinVar:

ClinVar aggregate classification (germline): Uncertain significance. Review status: criteria provided, multiple submitters, no conflicts (2 of 4 stars). 3 submissions from 3 submitters: Uncertain significance (3). Last evaluated 2026-05-05.

Conditions:
CTCF-related neurodevelopmental disorder. Also called: Intellectual disability-feeding difficulties-developmental delay-microcephaly syndrome; INTELLECTUAL DEVELOPMENTAL DISORDER, AUTOSOMAL DOMINANT 21. Identifiers: Orphanet 363611, MedGen C3809686, MONDO:0014213, OMIM 615502.
CTCF-related disorder. Also called: CTCF-related condition. Identifiers: MedGen CN381101.

Submissions (3):

PreventionGenetics, part of Exact Sciences
Classification: Uncertain significance for CTCF-related condition. Last evaluated: 2026-05-05. Review status: criteria provided, single submitter. Criteria: ACMG Guidelines, 2015. Collection method: clinical testing. Allele origin: germline.
Comment: The CTCF c.802T>C variant is predicted to result in the amino acid substitution p.Cys268Arg. To our knowledge, this variant has not been reported in the literature or in a large population database (gnomAD), indicating this variant is rare. At this time, the clinical significance of this variant is uncertain due to the absence of conclusive functional and genetic evidence.

GeneDx
Classification: Uncertain significance. Last evaluated: 2026-01-25. Review status: criteria provided, single submitter. Criteria: GeneDx Variant Classification Process June 2021. Collection method: clinical testing. Allele origin: germline.
Comment: Not observed at significant frequency in large population cohorts (gnomAD); In silico analysis supports that this missense variant has a deleterious effect on protein structure/function; Has not been previously published as pathogenic or benign to our knowledge

3billion
Classification: Uncertain significance for CTCF-related neurodevelopmental disorder. Last evaluated: 2023-07-27. Review status: criteria provided, single submitter. Criteria: ACMG Guidelines, 2015. Collection method: clinical testing. Allele origin: germline. Affected: yes.
Comment: The variant is not observed in the gnomAD v2.1.1 dataset. Predicted Consequence/Location: Missense changes are a common disease-causing mechanism. In silico tool predictions suggest damaging effect of the variant on gene or gene product (REVEL: 0.73; 3Cnet: NA). Therefore, this variant is classified as VUS according to the recommendation of ACMG/AMP guideline.

NM_006565.4(CTCF):c.802T>C (p.Cys268Arg)

Gene: CTCF (CCCTC-binding factor; plus strand). Cytogenetic location: 16q22.1.
Variant type: single nucleotide variant.
Coding change: c.802T>C on transcript NM_006565.4 (MANE Select); coding-DNA position 802, T replaced by C.
Protein change: p.Cys268Arg; replaces cysteine 268 with arginine.
Molecular consequence: missense variant. On other transcripts: intron variant (1).
Genome position (GRCh38, 1-based): chr16:67,611,971, T>C. VCF-style: chr16-67611971-T-C. GRCh37 (hg19) VCF-style: chr16-67645874-T-C.
Other names: c.802T>C, p.Cys268Arg (NM_001363916.2); c.-32-4774T>C (NM_001191022.2); c.802T>C (NM_006565.3); short protein forms C268R.
Identifiers: ClinVar variation 3776200 (VCV003776200.3).